The following is an entry in ClinVar:

ClinVar aggregate classification (germline): Uncertain significance (1 of 4 stars; one submission).

Conditions:
Marfan syndrome (MFS). Also called: MARFAN SYNDROME, TYPE I; Marfan syndrome type 1; Marfan's syndrome; Marfan syndrome, classic; FBN1-Related Marfan Syndrome. Identifiers: Orphanet 284963, Orphanet 558, MedGen C0024796, MONDO:0007947, OMIM 154700.
Familial thoracic aortic aneurysm and aortic dissection (TAAD). Also called: Thoracic aortic aneurysms and dissections. Identifiers: Orphanet 91387, MedGen C4707243, MONDO:0019625.

Submission:

Labcorp Genetics (formerly Invitae), Labcorp
Classification: Uncertain significance for Marfan syndrome; Familial thoracic aortic aneurysm and aortic dissection. Last evaluated: 2023-12-28. Review status: criteria provided, single submitter. Criteria: Invitae Variant Classification Sherloc (09022015). Collection method: clinical testing. Allele origin: germline.
Comment: This sequence change replaces phenylalanine, which is neutral and non-polar, with cysteine, which is neutral and slightly polar, at codon 2507 of the FBN1 protein (p.Phe2507Cys). This variant is not present in population databases (gnomAD no frequency). This missense change has been observed in individual(s) with thoracic aortic aneurysm and dissection (Invitae). Advanced modeling of protein sequence and biophysical properties (such as structural, functional, and spatial information, amino acid conservation, physicochemical variation, residue mobility, and thermodynamic stability) performed at Invitae indicates that this missense variant is expected to disrupt FBN1 protein function with a positive predictive value of 95%. In summary, the available evidence is currently insufficient to determine the role of this variant in disease. Therefore, it has been classified as a Variant of Uncertain Significance.

NM_000138.5(FBN1):c.7520T>G (p.Phe2507Cys)

Gene: FBN1 (fibrillin 1; minus strand). Cytogenetic location: 15q21.1.
Variant type: single nucleotide variant.
Coding change: c.7520T>G on transcript NM_000138.5 (MANE Select); coding-DNA position 7520, T replaced by G.
Protein change: p.Phe2507Cys; replaces phenylalanine 2507 with cysteine.
Molecular consequence: missense variant.
Genome position (GRCh38, 1-based): chr15:48,422,002, A>C on the plus strand (T>G on the coding strand, the complement: FBN1 is on the minus strand). VCF-style: chr15-48422002-A-C. GRCh37 (hg19) VCF-style: chr15-48714199-A-C.
Other names: c.7520T>G, p.Phe2507Cys (NM_001406716.1); short protein forms F2507C.
Identifiers: ClinVar variation 2921756 (VCV002921756.3), dbSNP rs2505399578, ClinGen allele CA392325935.